The following is an entry in ClinVar:

NM_001379110.1(SLC9A6):c.-73G>A

Genes: SLC9A6 (solute carrier family 9 member A6; plus strand), LOC130068746 (ATAC-STARR-seq lymphoblastoid silent region 21025; plus strand). Cytogenetic location: Xq26.3.
Variant type: single nucleotide variant.
Coding change: c.-73G>A on transcript NM_001379110.1 (MANE Select); 73 bases upstream of the start codon, G replaced by A.
Molecular consequence: 5 prime UTR variant.
Genome position (GRCh38, 1-based): chrX:135,985,461, G>A. VCF-style: chrX-135985461-G-A. GRCh37 (hg19) VCF-style: chrX-135067620-G-A.
Other names: c.-42G>A (NM_001042537.2, NM_006359.3); c.-73G>A (NM_001177651.2); c.-68G>A (NM_001330652.2).
Identifiers: ClinVar variation 506766 (VCV000506766.1), dbSNP rs1047849918, ClinGen allele CA658799866.

ClinVar aggregate classification (germline): Likely benign (1 of 4 stars; one submission).

gnomAD v4.1: 1 of 993,008 alleles (0.0001%); highest among the groups gnomAD compares: Non-Finnish European, 0.00013%; no homozygotes.

Submission:

GeneDx
Classification: Likely benign. Last evaluated: 2017-10-02. Review status: criteria provided, single submitter. Criteria: GeneDx Variant Classification (06012015). Collection method: clinical testing. Allele origin: germline. Affected: yes.
Comment: This variant is considered likely benign or benign based on one or more of the following criteria: it is a conservative change, it occurs at a poorly conserved position in the protein, it is predicted to be benign by multiple in silico algorithms, and/or has population frequency not consistent with disease.